The following is an entry in ClinVar:

ClinVar aggregate classification (germline): Likely pathogenic (1 of 4 stars; one submission).

Conditions:
Dilated cardiomyopathy 1G (CMD1G). Identifiers: Orphanet 154, MedGen C1858763, MONDO:0011400, OMIM 604145.
Autosomal recessive limb-girdle muscular dystrophy type 2J (LGMDR10). Also called: Limb-girdle muscular dystrophy, type 2J; MUSCULAR DYSTROPHY, LIMB-GIRDLE, AUTOSOMAL RECESSIVE 10. Identifiers: Orphanet 140922, MedGen C1837342, MONDO:0012127, OMIM 608807.

Submission:

Labcorp Genetics (formerly Invitae), Labcorp
Classification: Likely pathogenic for Dilated cardiomyopathy 1G; Autosomal recessive limb-girdle muscular dystrophy type 2J. Last evaluated: 2024-03-25. Review status: criteria provided, single submitter. Criteria: Invitae Variant Classification Sherloc (09022015). Collection method: clinical testing. Allele origin: germline.
Comment: This sequence change creates a premature translational stop signal (p.Val33015Hisfs*8) in the TTN gene. While this is not anticipated to result in nonsense mediated decay, it is expected to create a truncated TTN protein. This variant is not present in population databases (gnomAD no frequency). This premature translational stop signal has been observed in individual(s) with dilated cardiomyopathy (Invitae). This variant is located in the A band of TTN (PMID: 25589632). Truncating variants in this region are significantly overrepresented in patients affected with dilated cardiomyopathy (PMID: 25589632). Truncating variants in this region have also been reported in individuals affected with autosomal recessive centronuclear myopathy (PMID: 23975875). In summary, the currently available evidence indicates that the variant is pathogenic, but additional data are needed to prove that conclusively. Therefore, this variant has been classified as Likely Pathogenic.

Literature cited by the submitters: PubMed 25589632; PubMed 23975875.

NM_001267550.2(TTN):c.99043_99044del (p.Val33015fs)

Genes: TTN (titin; minus strand), TTN-AS1 (TTN antisense RNA 1; plus strand). Cytogenetic location: 2q31.2.
Variant type: Microsatellite.
Coding change: c.99043_99044del on transcript NM_001267550.2 (MANE Select); coding-DNA positions 99043 to 99044, 2 bases deleted (GT; older notation c.99043_99044delGT).
Protein change: p.Val33015fs; shifts the reading frame from valine 33015.
Molecular consequence: frameshift variant. On other transcripts: non-coding transcript variant (1).
Genome position (GRCh38, 1-based): chr2:178,538,785-178,538,786, AC deleted on the plus strand (GT on the coding strand, the reverse complement: TTN is on the minus strand); deleting any 2 consecutive bases within chr2:178,538,785-178,538,788 gives the same sequence; the c. name uses the placement nearest the transcript's 3' end. VCF-style (leftmost placement, unchanged base first): chr2-178538784-GAC-G. GRCh37 (hg19) VCF-style: chr2-179403511-GAC-G.
Other names: c.94120_94121del, p.Val31374fs (NM_001256850.1); c.71848_71849del, p.Val23950fs (NM_003319.4); c.91339_91340del, p.Val30447fs (NM_133378.4); c.72223_72224del, p.Val24075fs (NM_133432.3); c.72424_72425del, p.Val24142fs (NM_133437.4); short protein forms V23950fs, V24075fs, V24142fs, V30447fs, V31374fs, V33015fs.
Identifiers: ClinVar variation 3755507 (VCV003755507.2).